The following is an entry in ClinVar:

NM_000143.4(FH):c.103T>C (p.Ser35Pro)

Gene: FH (fumarate hydratase; minus strand). Cytogenetic location: 1q43.
Variant type: single nucleotide variant.
Coding change: c.103T>C on transcript NM_000143.4 (MANE Select); coding-DNA position 103, T replaced by C.
Protein change: p.Ser35Pro; replaces serine 35 with proline.
Molecular consequence: missense variant.
Genome position (GRCh38, 1-based): chr1:241,519,620, A>G on the plus strand (T>C on the coding strand, the complement: FH is on the minus strand). VCF-style: chr1-241519620-A-G. GRCh37 (hg19) VCF-style: chr1-241682920-A-G.
Other names: short protein forms S35P.
Identifiers: ClinVar variation 649262 (VCV000649262.9), dbSNP rs1573889890, ClinGen allele CA345442700.
Genomic context (GRCh38, chr1:241,519,620, plus strand): 5'-GGGAGGCCGGGGGATGGCGGCCTGCGCTCACCATTCGAGCCGCGTTCGGAGGCCAAAACG[A>G]GGGCACGGCCGCGCCACCCAAGCCGGGAGCCGAAGCTAAGGCTGCGGCTGGAGCCCGCAC-3'
Protein context (NP_000134.2, residues 25-45): APGLGGAAVP[Ser35Pro]FWPPNAARMA

ClinVar aggregate classification (germline): Uncertain significance (1 of 4 stars; one submission).

Submission:

Labcorp Genetics (formerly Invitae), Labcorp
Classification: Uncertain significance. Last evaluated: 2018-11-21. Review status: criteria provided, single submitter. Criteria: Invitae Variant Classification Sherloc (09022015). Collection method: clinical testing. Allele origin: germline.
Comment: Algorithms developed to predict the effect of missense changes on protein structure and function output the following: SIFT: "Tolerated"; PolyPhen-2: "Not Available"; Align-GVGD: "Class C0". The proline amino acid residue is found in multiple mammalian species, suggesting that this missense change does not adversely affect protein function. These predictions have not been confirmed by published functional studies and their clinical significance is uncertain. This sequence change replaces serine with proline at codon 35 of the FH protein (p.Ser35Pro). The serine residue is weakly conserved and there is a moderate physicochemical difference between serine and proline. The frequency data for this variant in the population databases is considered unreliable, as metrics indicate insufficient coverage at this position in the ExAC database. This variant has not been reported in the literature in individuals with FH-related disease. In summary, the available evidence is currently insufficient to determine the role of this variant in disease. Therefore, it has been classified as a Variant of Uncertain Significance.